The following is an entry in ClinVar:

ClinVar aggregate classification (germline): Uncertain significance (1 of 4 stars; one submission).

gnomAD v4.1: 1 of 1,614,166 alleles (0.000062%); highest among the groups gnomAD compares: Non-Finnish European, 0.000085%; no homozygotes.

Submission:

CeGaT Center for Human Genetics Tuebingen
Classification: Uncertain significance. Last evaluated: 2023-11-01. Review status: criteria provided, single submitter. Criteria: CeGaT Center For Human Genetics Tuebingen Variant Classification Criteria Version 2. Collection method: clinical testing. Allele origin: germline. Affected: yes. Observed: 1 variant allele.
Comment: HIVEP2: PM2, BP4

NM_006734.4(HIVEP2):c.2292A>C (p.Gln764His)

Gene: HIVEP2 (HIVEP zinc finger 2; minus strand). Cytogenetic location: 6q24.2.
Variant type: single nucleotide variant.
Coding change: c.2292A>C on transcript NM_006734.4 (MANE Select); coding-DNA position 2292, A replaced by C.
Protein change: p.Gln764His; replaces glutamine 764 with histidine.
Molecular consequence: missense variant.
Genome position (GRCh38, 1-based): chr6:142,772,447, T>G on the plus strand (A>C on the coding strand, the complement: HIVEP2 is on the minus strand). VCF-style: chr6-142772447-T-G. GRCh37 (hg19) VCF-style: chr6-143093584-T-G.
Other names: short protein forms Q764H.
Identifiers: ClinVar variation 2673081 (VCV002673081.23), dbSNP rs1188145395, ClinGen allele CA365910268.